The following is an entry in ClinVar:

ClinVar aggregate classification (germline): Uncertain significance. Review status: criteria provided, multiple submitters, no conflicts (2 of 4 stars). 3 submissions from 3 submitters: Uncertain significance (3). Last evaluated 2024-12-12.

Conditions:
Cardiovascular phenotype. Identifiers: MedGen CN230736.
Hereditary cancer-predisposing syndrome. Also called: Hereditary neoplastic syndrome; Tumor predisposition; Neoplastic Syndromes, Hereditary; Hereditary Cancer Syndrome. Identifiers: Orphanet 140162, MedGen C0027672, MeSH D009386, MONDO:0015356.
Juvenile myelomonocytic leukemia (JMML). Also called: LEUKEMIA, JUVENILE MYELOMONOCYTIC, SOMATIC. Identifiers: Orphanet 86834, MedGen C0349639, MONDO:0011908, OMIM 607785, HP:0012209.
Neurofibromatosis, type 1 (NF1). Also called: VON RECKLINGHAUSEN DISEASE; NEUROFIBROMATOSIS, TYPE I, SOMATIC; Peripheral type neurofibromatosis; Neurofibromatosis, type I. Identifiers: Orphanet 636, MedGen C0027831, MONDO:0018975, OMIM 162200. Disease mechanism: loss of function.

Submissions (3):

Ambry Genetics
Classification: Uncertain significance for Cardiovascular phenotype; Hereditary cancer-predisposing syndrome. Last evaluated: 2024-12-12. Review status: criteria provided, single submitter. Criteria: Ambry Variant Classification Scheme 2023. Collection method: clinical testing. Allele origin: germline.
Comment: The p.S2479Y variant (also known as c.7436C>A), located in coding exon 50 of the NF1 gene, results from a C to A substitution at nucleotide position 7436. The serine at codon 2479 is replaced by tyrosine, an amino acid with dissimilar properties. This amino acid position is conserved. In addition, the in silico prediction for this alteration is inconclusive. Based on the available evidence, the clinical significance of this variant remains unclear.

Labcorp Genetics (formerly Invitae), Labcorp
Classification: Uncertain significance for Neurofibromatosis, type 1. Last evaluated: 2024-09-02. Review status: criteria provided, single submitter. Criteria: Invitae Variant Classification Sherloc (09022015). Collection method: clinical testing. Allele origin: germline.
Comment: This sequence change replaces serine, which is neutral and polar, with tyrosine, which is neutral and polar, at codon 2479 of the NF1 protein (p.Ser2479Tyr). This variant is not present in population databases (gnomAD no frequency). This variant has not been reported in the literature in individuals affected with NF1-related conditions. ClinVar contains an entry for this variant (Variation ID: 951553). Invitae Evidence Modeling of protein sequence and biophysical properties (such as structural, functional, and spatial information, amino acid conservation, physicochemical variation, residue mobility, and thermodynamic stability) indicates that this missense variant is expected to disrupt NF1 protein function with a positive predictive value of 95%. RNA analysis performed to evaluate the impact of this missense change on mRNA splicing indicates it does not significantly alter splicing (internal data). In summary, the available evidence is currently insufficient to determine the role of this variant in disease. Therefore, it has been classified as a Variant of Uncertain Significance.

Baylor Genetics
Classification: Uncertain significance for Juvenile myelomonocytic leukemia. Last evaluated: 2024-02-06. Review status: criteria provided, single submitter. Criteria: ACMG Guidelines, 2015. Collection method: clinical testing. Allele origin: unknown.

NM_001042492.3(NF1):c.7499C>A (p.Ser2500Tyr)

Gene: NF1 (neurofibromin 1; plus strand). Cytogenetic location: 17q11.2.
Variant type: single nucleotide variant.
Coding change: c.7499C>A on transcript NM_001042492.3 (MANE Select); coding-DNA position 7499, C replaced by A.
Protein change: p.Ser2500Tyr; replaces serine 2500 with tyrosine.
Molecular consequence: missense variant.
Genome position (GRCh38, 1-based): chr17:31,352,298, C>A. VCF-style: chr17-31352298-C-A. GRCh37 (hg19) VCF-style: chr17-29679316-C-A.
Other names: c.7436C>A, p.Ser2479Tyr (NM_000267.4); short protein forms S2479Y, S2500Y.
Identifiers: ClinVar variation 951553 (VCV000951553.8), dbSNP rs2070168165, ClinGen allele CA399017518.